The following is an entry in ClinVar:

NM_001369268.1(ACAN):c.7501A>G (p.Lys2501Glu)

Gene: ACAN (aggrecan; plus strand). Cytogenetic location: 15q26.1.
Variant type: single nucleotide variant.
Coding change: c.7501A>G on transcript NM_001369268.1 (MANE Select); coding-DNA position 7501, A replaced by G.
Protein change: p.Lys2501Glu; replaces lysine 2501 with glutamic acid.
Molecular consequence: missense variant. On other transcripts: intron variant (1).
Genome position (GRCh38, 1-based): chr15:88,873,895, A>G. VCF-style: chr15-88873895-A-G. GRCh37 (hg19) VCF-style: chr15-89417126-A-G.
Other names: c.7273A>G, p.Lys2425Glu (NM_001411096.1); c.7387A>G, p.Lys2463Glu (NM_001411097.1, NM_013227.4); c.7220-510A>G (NM_001135.4); short protein forms K2425E, K2463E, K2501E.
Identifiers: ClinVar variation 4731045 (VCV004731045.1).

ClinVar aggregate classification (germline): Uncertain significance (1 of 4 stars; one submission).

Submission:

Labcorp Genetics (formerly Invitae), Labcorp
Classification: Uncertain significance. Last evaluated: 2025-11-19. Review status: criteria provided, single submitter. Criteria: Invitae Variant Classification Sherloc (09022015). Collection method: clinical testing. Allele origin: germline.
Comment: This sequence change replaces lysine, which is basic and polar, with glutamic acid, which is acidic and polar, at codon 2463 of the ACAN protein (p.Lys2463Glu). This variant is not present in population databases (gnomAD no frequency). This variant has not been reported in the literature in individuals affected with ACAN-related conditions. An algorithm developed to predict the effect of missense changes on protein structure and function (PolyPhen-2) suggests that this variant is likely to be disruptive. In summary, the available evidence is currently insufficient to determine the role of this variant in disease. Therefore, it has been classified as a Variant of Uncertain Significance.